The following is an entry in ClinVar:

ClinVar aggregate classification (germline): Uncertain significance (1 of 4 stars; one submission).

gnomAD v4.1: 2 of 1,613,316 alleles (0.00012%); highest among the groups gnomAD compares: African/African-American, 0.0013%; no homozygotes.

Submission:

Labcorp Genetics (formerly Invitae), Labcorp
Classification: Uncertain significance. Last evaluated: 2026-01-02. Review status: criteria provided, single submitter. Criteria: Invitae Variant Classification Sherloc (09022015). Collection method: clinical testing. Allele origin: germline.
Comment: This sequence change falls in intron 32 of the COL7A1 gene. It does not directly change the encoded amino acid sequence of the COL7A1 protein. It affects a nucleotide within the consensus splice site. This variant is not present in population databases (gnomAD no frequency). This variant has not been reported in the literature in individuals affected with COL7A1-related conditions. Variants that disrupt the consensus splice site are a relatively common cause of aberrant splicing (PMID: 17576681, 9536098). Algorithms developed to predict the effect of sequence changes on RNA splicing suggest that this variant is not likely to affect RNA splicing. In summary, the available evidence is currently insufficient to determine the role of this variant in disease. Therefore, it has been classified as a Variant of Uncertain Significance.

Literature cited by the submitters: PubMed 17576681; PubMed 9536098.

NM_000094.4(COL7A1):c.3975+6C>G

Gene: COL7A1 (collagen type VII alpha 1 chain; minus strand). Cytogenetic location: 3p21.31.
Variant type: single nucleotide variant.
Coding change: c.3975+6C>G on transcript NM_000094.4 (MANE Select); 6 bases into the intron after coding-DNA position 3975, C replaced by G.
Molecular consequence: intron variant.
Genome position (GRCh38, 1-based): chr3:48,585,030, G>C on the plus strand (C>G on the coding strand, the complement: COL7A1 is on the minus strand). VCF-style: chr3-48585030-G-C. GRCh37 (hg19) VCF-style: chr3-48622463-G-C.
Identifiers: ClinVar variation 4701936 (VCV004701936.1).
Genomic context (GRCh38, chr3:48,585,030, plus strand): 5'-ACAGTCGGAGCCACCCCACCCACTCAGGCAGCGCCCACCCTGACCTGCAGGACAAGGCTT[G>C]CTCACCTTTAGGCCAGGGGCTCCAGGGGTCCCAGGATTCCCGGCGCGGCCAGGGCTGCCT-3'